The following is an entry in ClinVar:

ClinVar aggregate classification (germline): Likely benign (1 of 4 stars; one submission).

Allele frequency attached by ClinVar (database versions not stated): gnomAD exomes below 0.00001.
gnomAD v4.1: 3 of 1,604,320 alleles (0.00019%); highest among the groups gnomAD compares: South Asian, 0.0011%; no homozygotes.

Submission:

GeneDx
Classification: Likely benign. Last evaluated: 2017-01-11. Review status: criteria provided, single submitter. Criteria: GeneDx Variant Classification (06012015). Collection method: clinical testing. Allele origin: germline. Affected: yes.
Comment: This variant is considered likely benign or benign based on one or more of the following criteria: it is a conservative change, it occurs at a poorly conserved position in the protein, it is predicted to be benign by multiple in silico algorithms, and/or has population frequency not consistent with disease.

NM_017617.5(NOTCH1):c.3902-4C>T

Gene: NOTCH1 (notch receptor 1; minus strand). Cytogenetic location: 9q34.3.
Variant type: single nucleotide variant.
Coding change: c.3902-4C>T on transcript NM_017617.5 (MANE Select); 4 bases into the intron before coding-DNA position 3902, C replaced by T.
Molecular consequence: intron variant.
Genome position (GRCh38, 1-based): chr9:136,506,643, G>A on the plus strand (C>T on the coding strand, the complement: NOTCH1 is on the minus strand). VCF-style: chr9-136506643-G-A. GRCh37 (hg19) VCF-style: chr9-139401095-G-A.
Other names: c.3902-4C>T (LRG_1122t1).
Identifiers: ClinVar variation 392930 (VCV000392930.1), dbSNP rs1057524704, ClinGen allele CA16605788.